The following is an entry in ClinVar:

ClinVar aggregate classification (germline): Uncertain significance (1 of 4 stars; one submission).

Allele frequency attached by ClinVar (database versions not stated): TOPMed 0.00003; gnomAD 0.00002; gnomAD exomes 0.00003.
gnomAD v4.1: 42 of 1,574,812 alleles (0.0027%); highest among the groups gnomAD compares: Non-Finnish European, 0.0034%; no homozygotes.

Submission:

GeneDx
Classification: Uncertain significance. Last evaluated: 2025-08-01. Review status: criteria provided, single submitter. Criteria: GeneDx Variant Classification Process June 2021. Collection method: clinical testing. Allele origin: germline. Affected: yes.
Comment: Reported using an alternate transcript of the gene; Nonsense variant predicted to result in protein truncation or nonsense mediated decay in a gene for which loss-of-function is not an established mechanism of disease for the alternate transcript; Has not been previously published as pathogenic or benign to our knowledge

NM_021912.5(GABRB3):c.47G>A (p.Trp16Ter)

Gene: GABRB3 (gamma-aminobutyric acid type A receptor subunit beta3; minus strand). Cytogenetic location: 15q12.
Variant type: single nucleotide variant.
Coding change: c.47G>A on transcript NM_021912.5; coding-DNA position 47, G replaced by A.
Protein change: p.Trp16Ter; replaces tryptophan 16 with a stop codon.
Molecular consequence: nonsense.
Genome position (GRCh38, 1-based): chr15:26,773,678, C>T on the plus strand (G>A on the coding strand, the complement: GABRB3 is on the minus strand). VCF-style: chr15-26773678-C-T. GRCh37 (hg19) VCF-style: chr15-27018825-C-T.
Other names: short protein forms W16*.
Identifiers: ClinVar variation 1704964 (VCV001704964.4), dbSNP rs1488827933, ClinGen allele CA391465783.